The following is an entry in ClinVar:

ClinVar aggregate classification (germline): Uncertain significance. Review status: criteria provided, single submitter (1 of 4 stars). 2 submissions from 2 submitters: Uncertain significance (1). 1 of the submissions does not count toward it. Last evaluated 2022-11-22.

Conditions:
NTRK2-related disorder. Also called: NTRK2-related condition.

gnomAD v4.1: 1 of 1,614,206 alleles (0.000062%); no homozygotes.

Submissions (2):

Labcorp Genetics (formerly Invitae), Labcorp
Classification: Uncertain significance. Last evaluated: 2022-11-22. Review status: criteria provided, single submitter. Criteria: Invitae Variant Classification Sherloc (09022015). Collection method: clinical testing. Allele origin: germline.
Comment: In summary, the available evidence is currently insufficient to determine the role of this variant in disease. Therefore, it has been classified as a Variant of Uncertain Significance. Advanced modeling of protein sequence and biophysical properties (such as structural, functional, and spatial information, amino acid conservation, physicochemical variation, residue mobility, and thermodynamic stability) performed at Invitae indicates that this missense variant is not expected to disrupt NTRK2 protein function. This variant has not been reported in the literature in individuals affected with NTRK2-related conditions. This variant is not present in population databases (gnomAD no frequency). This sequence change replaces tyrosine, which is neutral and polar, with histidine, which is basic and polar, at codon 329 of the NTRK2 protein (p.Tyr329His).

PreventionGenetics, part of Exact Sciences
Classification: Uncertain significance for NTRK2-related condition. Last evaluated: 2024-01-03. Review status: no assertion criteria provided. Collection method: clinical testing. Allele origin: germline. Not counted in ClinVar's aggregate classification.
Comment: The NTRK2 c.985T>C variant is predicted to result in the amino acid substitution p.Tyr329His. To our knowledge, this variant has not been reported in the literature or in a large population database, indicating this variant is rare. At this time, the clinical significance of this variant is uncertain due to the absence of conclusive functional and genetic evidence.

NM_006180.6(NTRK2):c.985T>C (p.Tyr329His)

Gene: NTRK2 (neurotrophic receptor tyrosine kinase 2; plus strand). Cytogenetic location: 9q21.33.
Variant type: single nucleotide variant.
Coding change: c.985T>C on transcript NM_006180.6 (MANE Select); coding-DNA position 985, T replaced by C.
Protein change: p.Tyr329His; replaces tyrosine 329 with histidine.
Molecular consequence: missense variant.
Genome position (GRCh38, 1-based): chr9:84,727,785, T>C. VCF-style: chr9-84727785-T-C. GRCh37 (hg19) VCF-style: chr9-87342700-T-C.
Other names: c.517T>C, p.Tyr173His (NM_001369551.1, NM_001369552.1, NM_001369535.1 and 2 more transcripts); c.985T>C, p.Tyr329His (NM_001381928.1, NM_001007097.3, NM_001018064.3 and 17 more transcripts); c.946T>C, p.Tyr316His (NM_001291937.2, NM_001369546.1); c.985T>C (NM_006180.4); short protein forms Y173H, Y316H, Y329H.
Identifiers: ClinVar variation 1716405 (VCV001716405.7), dbSNP rs2492231307, ClinGen allele CA374008613.